The following is an entry in ClinVar:

ClinVar aggregate classification (germline): Uncertain significance (1 of 4 stars; one submission).

Conditions:
Developmental and epileptic encephalopathy. Identifiers: MedGen C5779964, MONDO:0100620.

Submission:

Labcorp Genetics (formerly Invitae), Labcorp
Classification: Uncertain significance for Early-infantile DEE. Last evaluated: 2022-01-13. Review status: criteria provided, single submitter. Criteria: Invitae Variant Classification Sherloc (09022015). Collection method: clinical testing. Allele origin: germline.
Comment: This sequence change replaces threonine, which is neutral and polar, with alanine, which is neutral and non-polar, at codon 154 of the SCN1A protein (p.Thr154Ala). This variant is not present in population databases (gnomAD no frequency). This variant has not been reported in the literature in individuals affected with SCN1A-related conditions. Advanced modeling of protein sequence and biophysical properties (such as structural, functional, and spatial information, amino acid conservation, physicochemical variation, residue mobility, and thermodynamic stability) performed at Invitae indicates that this missense variant is not expected to disrupt SCN1A protein function. In summary, the available evidence is currently insufficient to determine the role of this variant in disease. Therefore, it has been classified as a Variant of Uncertain Significance.

NM_001165963.4(SCN1A):c.460A>G (p.Thr154Ala)

Gene: SCN1A (sodium voltage-gated channel alpha subunit 1; minus strand). Cytogenetic location: 2q24.3.
Variant type: single nucleotide variant.
Coding change: c.460A>G on transcript NM_001165963.4 (MANE Select); coding-DNA position 460, A replaced by G.
Protein change: p.Thr154Ala; replaces threonine 154 with alanine.
Molecular consequence: missense variant. On other transcripts: 5 prime UTR variant (1), non-coding transcript variant (1).
Genome position (GRCh38, 1-based): chr2:166,056,424, T>C on the plus strand (A>G on the coding strand, the complement: SCN1A is on the minus strand). VCF-style: chr2-166056424-T-C. GRCh37 (hg19) VCF-style: chr2-166912934-T-C.
Other names: c.460A>G, p.Thr154Ala (NM_001165964.3, NM_001202435.3, NM_001353948.2 and 10 more transcripts); c.-1966A>G (NM_001353961.2); short protein forms T154A.
Identifiers: ClinVar variation 1396296 (VCV001396296.4), dbSNP rs1317965295, ClinGen allele CA349075870.